The following is an entry in ClinVar:

NM_000179.3(MSH6):c.3886A>C (p.Lys1296Gln)

Gene: MSH6 (mutS homolog 6; plus strand). Cytogenetic location: 2p16.3.
Variant type: single nucleotide variant.
Coding change: c.3886A>C on transcript NM_000179.3 (MANE Select); coding-DNA position 3886, A replaced by C.
Protein change: p.Lys1296Gln; replaces lysine 1296 with glutamine.
Molecular consequence: missense variant.
Genome position (GRCh38, 1-based): chr2:47,806,536, A>C. VCF-style: chr2-47806536-A-C. GRCh37 (hg19) VCF-style: chr2-48033675-A-C.
Other names: c.3496A>C, p.Lys1166Gln (NM_001281492.2); c.2980A>C, p.Lys994Gln (NM_001281493.2, NM_001281494.2); short protein forms K1296Q, K1166Q, K994Q.
Identifiers: ClinVar variation 479921 (VCV000479921.21), dbSNP rs575714670, ClinGen allele CA072260.
Genomic context (GRCh38, chr2:47,806,536, plus strand): 5'-GAAGACCCCAGCCAGGAGACTATTACGTTCCTCTATAAATTCATTAAGGGAGCTTGTCCT[A>C]AAAGCTATGGCTTTAATGCAGCAAGGCTTGCTAATCTCCCAGAGGAAGTTATTCAAAAGG-3'
Protein context (NP_000170.1, residues 1286-1306): LYKFIKGACP[Lys1296Gln]SYGFNAARLA

ClinVar aggregate classification (germline): Conflicting classifications of pathogenicity. Review status: criteria provided, conflicting classifications (1 of 4 stars). 4 submissions from 4 submitters: Uncertain significance (3); Likely benign (1). Last evaluated 2025-11-11.

Conditions:
Hereditary nonpolyposis colorectal neoplasms. Identifiers: MedGen C0009405, MeSH D003123.
Hereditary cancer-predisposing syndrome. Also called: Hereditary Cancer Syndrome; Neoplastic Syndromes, Hereditary; Tumor predisposition; Hereditary neoplastic syndrome. Identifiers: Orphanet 140162, MedGen C0027672, MeSH D009386, MONDO:0015356.
Lynch syndrome 5 (LYNCH5). Also called: Colorectal cancer, hereditary nonpolyposis, type 5; Hereditary non-polyposis colorectal cancer, type 5. Identifiers: Orphanet 144, MedGen C1833477, MONDO:0013710, OMIM 614350. Disease mechanism: loss of function.

Allele frequency attached by ClinVar (database versions not stated): ExAC 0.00001; 1000 Genomes Project 30x 0.00016; 1000 Genomes Project 0.00020.

Submissions (4):

Color Diagnostics, LLC DBA Color Health
Classification: Uncertain significance for Hereditary cancer-predisposing syndrome. Last evaluated: 2025-11-11. Review status: criteria provided, single submitter. Criteria: ACMG Guidelines, 2015. Collection method: clinical testing. Allele origin: germline.
Comment: This missense variant replaces lysine with glutamine at codon 1296 of the MSH6 protein. Computational prediction suggests that this variant may have deleterious impact on protein structure and function. To our knowledge, functional studies have not been reported for this variant. This variant has not been reported in individuals affected with MSH6-related disorders in the literature. This variant has been identified in 3/1613988 chromosomes in the general population by the Genome Aggregation Database (gnomAD). The available evidence is insufficient to determine the role of this variant in disease conclusively. Therefore, this variant is classified as a Variant of Uncertain Significance.

Labcorp Genetics (formerly Invitae), Labcorp
Classification: Likely benign for Hereditary nonpolyposis colorectal neoplasms. Last evaluated: 2024-12-02. Review status: criteria provided, single submitter. Criteria: Invitae Variant Classification Sherloc (09022015). Collection method: clinical testing. Allele origin: germline.

Ambry Genetics
Classification: Uncertain significance for Hereditary cancer-predisposing syndrome. Last evaluated: 2024-10-03. Review status: criteria provided, single submitter. Criteria: Ambry Variant Classification Scheme 2023. Collection method: clinical testing. Allele origin: germline.
Comment: The p.K1296Q variant (also known as c.3886A>C), located in coding exon 9 of the MSH6 gene, results from an A to C substitution at nucleotide position 3886. The lysine at codon 1296 is replaced by glutamine, an amino acid with similar properties. This amino acid position is highly conserved in available vertebrate species. In addition, this alteration is predicted to be deleterious by in silico analysis. Based on the available evidence, the clinical significance of this variant remains unclear.

Neuberg Centre For Genomic Medicine, NCGM
Classification: Uncertain significance for Lynch syndrome 5. Last evaluated: 2023-07-22. Review status: criteria provided, single submitter. Criteria: ACMG Guidelines, 2015. Collection method: clinical testing. Allele origin: germline. Inheritance: Autosomal dominant inheritance. Affected: yes.
Comment: The missense variant c.3886A>C p.Lys1296Gln in the MSH6 gene has not been reported previously as a pathogenic variant nor as a benign variant, to our knowledge. This variant is reported with the allele frequency 0.0007% in the gnomAD Exomes. The amino acid Lys at position 1296 is changed to a Gln changing protein sequence and it might alter its composition and physico-chemical properties. Multiple lines of computational evidence Polyphen - Damaging, SIFT - Damaging and MutationTaster - Disease causing predict a damaging effect on protein structure and function for this variant. The amino acid change p.Lys1296Gln in MSH6 is predicted as conserved by GERP++ and PhyloP across 100 vertebrates. For these reasons, this variant has been classified as Uncertain Significance.